The following is an entry in ClinVar:

ClinVar aggregate classification (germline): Likely benign (1 of 4 stars; one submission).

Conditions:
RPGR-related disorder. Also called: RPGR-related condition.

Submission:

PreventionGenetics, part of Exact Sciences
Classification: Likely benign for RPGR-related condition. Last evaluated: 2025-03-06. Review status: criteria provided, single submitter. Criteria: ACMG Guidelines, 2015. Collection method: clinical testing. Allele origin: germline.
Comment: This variant is classified as likely benign based on ACMG/AMP sequence variant interpretation guidelines (Richards et al. 2015 PMID: 25741868, with internal and published modifications).

NM_001034853.2(RPGR):c.2775A>G (p.Gly925=)

Gene: RPGR (retinitis pigmentosa GTPase regulator; minus strand). Cytogenetic location: Xp11.4.
Variant type: single nucleotide variant.
Coding change: c.2775A>G on transcript NM_001034853.2 (MANE Select); coding-DNA position 2775, A replaced by G.
Protein change: p.Gly925=; no amino-acid change (glycine 925 retained).
Molecular consequence: synonymous variant. On other transcripts: intron variant (8).
Genome position (GRCh38, 1-based): chrX:38,286,224, T>C on the plus strand (A>G on the coding strand, the complement: RPGR is on the minus strand). VCF-style: chrX-38286224-T-C. GRCh37 (hg19) VCF-style: chrX-38145477-T-C.
Other names: c.1569+4735A>G (NM_001367249.1, NM_001367250.1); c.1902+870A>G (NM_001367245.1); c.1386+4735A>G (NM_001367251.1); c.1719+870A>G (NM_001367246.1); c.1572+4735A>G (NM_001367247.1); c.1905+870A>G (NM_000328.3); c.1602+4735A>G (NM_001367248.1).
Identifiers: ClinVar variation 4982154 (VCV004982154.1).